The following is an entry in ClinVar:

NM_004525.3(LRP2):c.8638C>T (p.His2880Tyr)

Gene: LRP2 (LDL receptor related protein 2; minus strand). Cytogenetic location: 2q31.1.
Variant type: single nucleotide variant.
Coding change: c.8638C>T on transcript NM_004525.3 (MANE Select); coding-DNA position 8638, C replaced by T.
Protein change: p.His2880Tyr; replaces histidine 2880 with tyrosine.
Molecular consequence: missense variant.
Genome position (GRCh38, 1-based): chr2:169,196,971, G>A on the plus strand (C>T on the coding strand, the complement: LRP2 is on the minus strand). VCF-style: chr2-169196971-G-A. GRCh37 (hg19) VCF-style: chr2-170053481-G-A.
Other names: short protein forms H2880Y.
Identifiers: ClinVar variation 1388403 (VCV001388403.5), dbSNP rs780954319, ClinGen allele CA1953794.

ClinVar aggregate classification (germline): Uncertain significance (1 of 4 stars; one submission).

Allele frequency attached by ClinVar (database versions not stated): ExAC 0.00002; gnomAD exomes 0.00001.
gnomAD v4.1: 15 of 1,614,150 alleles (0.00093%); highest among the groups gnomAD compares: East Asian, 0.0022%; no homozygotes.

Submission:

Labcorp Genetics (formerly Invitae), Labcorp
Classification: Uncertain significance. Last evaluated: 2021-08-14. Review status: criteria provided, single submitter. Criteria: Invitae Variant Classification Sherloc (09022015). Collection method: clinical testing. Allele origin: germline.
Comment: This sequence change replaces histidine with tyrosine at codon 2880 of the LRP2 protein (p.His2880Tyr). The histidine residue is moderately conserved and there is a moderate physicochemical difference between histidine and tyrosine. This variant is present in population databases (rs780954319, ExAC 0.02%). This variant has not been reported in the literature in individuals affected with LRP2-related conditions. Advanced modeling of protein sequence and biophysical properties (such as structural, functional, and spatial information, amino acid conservation, physicochemical variation, residue mobility, and thermodynamic stability) performed at Invitae indicates that this missense variant is not expected to disrupt LRP2 protein function. In summary, the available evidence is currently insufficient to determine the role of this variant in disease. Therefore, it has been classified as a Variant of Uncertain Significance.